The following is an entry in ClinVar:

ClinVar aggregate classification (germline): Uncertain significance. Review status: criteria provided, multiple submitters, no conflicts (2 of 4 stars). 2 submissions from 2 submitters: Uncertain significance (2). Last evaluated 2026-01-19.

Allele frequency attached by ClinVar (database versions not stated): ESP Exome Variant Server 0.00008; gnomAD 0.00011 and 0.00012; TOPMed 0.00017; 1000 Genomes Project 0.00020; 1000 Genomes Project 30x 0.00031.
gnomAD v4.1: 118 of 1,594,358 alleles (0.0074%); highest among the groups gnomAD compares: Middle Eastern, 0.17%; no homozygotes.

Submissions (2):

Labcorp Genetics (formerly Invitae), Labcorp
Classification: Uncertain significance. Last evaluated: 2026-01-19. Review status: criteria provided, single submitter. Criteria: Invitae Variant Classification Sherloc (09022015). Collection method: clinical testing. Allele origin: germline.
Comment: This sequence change replaces threonine, which is neutral and polar, with methionine, which is neutral and non-polar, at codon 192 of the FGFRL1 protein (p.Thr192Met). This variant is present in population databases (rs369436907, gnomAD 0.04%). This variant has not been reported in the literature in individuals affected with FGFRL1-related conditions. ClinVar contains an entry for this variant (Variation ID: 1429991). An algorithm developed to predict the effect of missense changes on protein structure and function outputs the following: PolyPhen-2: "Benign". The methionine amino acid residue is found in multiple mammalian species, which suggests that this missense change does not adversely affect protein function. In summary, the available evidence is currently insufficient to determine the role of this variant in disease. Therefore, it has been classified as a Variant of Uncertain Significance.

Ambry Genetics
Classification: Uncertain significance. Last evaluated: 2021-08-23. Review status: criteria provided, single submitter. Criteria: Ambry Variant Classification Scheme 2023. Collection method: clinical testing. Allele origin: germline.

NM_001004356.3(FGFRL1):c.575C>T (p.Thr192Met)

Gene: FGFRL1 (fibroblast growth factor receptor like 1; plus strand). Cytogenetic location: 4p16.3.
Variant type: single nucleotide variant.
Coding change: c.575C>T on transcript NM_001004356.3 (MANE Select); coding-DNA position 575, C replaced by T.
Protein change: p.Thr192Met; replaces threonine 192 with methionine.
Molecular consequence: missense variant.
Genome position (GRCh38, 1-based): chr4:1,023,958, C>T. VCF-style: chr4-1023958-C-T. GRCh37 (hg19) VCF-style: chr4-1017746-C-T.
Other names: c.575C>T (NM_001004356.2); c.575C>T, p.Thr192Met (NM_001004358.1, NM_001370296.1, NM_021923.3); short protein forms T192M.
Identifiers: ClinVar variation 1429991 (VCV001429991.7), dbSNP rs369436907, ClinGen allele CA2802766.
Genomic context (GRCh38, chr4:1,023,958, plus strand): 5'-GCGTGGCCAGCGGGCACCCTCGGCCCGACATCACGTGGATGAAGGACGACCAGGCCTTGA[C>T]GCGCCCAGAGGCCGCTGAGCCCAGGAAGAAGAAGTGGACACTGAGCCTGAAGAACCTGCG-3'
Protein context (NP_001004356.1, residues 182-202): ITWMKDDQAL[Thr192Met]RPEAAEPRKK